The following is an entry in ClinVar:

NM_001365536.1(SCN9A):c.5680A>G (p.Thr1894Ala)

Genes: SCN9A (sodium voltage-gated channel alpha subunit 9; minus strand), SCN1A-AS1 (SCN1A and SCN9A antisense RNA 1; plus strand). Cytogenetic location: 2q24.3.
Variant type: single nucleotide variant.
Coding change: c.5680A>G on transcript NM_001365536.1 (MANE Select); coding-DNA position 5680, A replaced by G.
Protein change: p.Thr1894Ala; replaces threonine 1894 with alanine.
Molecular consequence: missense variant.
Genome position (GRCh38, 1-based): chr2:166,198,959, T>C on the plus strand (A>G on the coding strand, the complement: SCN9A is on the minus strand). VCF-style: chr2-166198959-T-C. GRCh37 (hg19) VCF-style: chr2-167055469-T-C.
Other names: c.5647A>G, p.Thr1883Ala (NM_002977.4); short protein forms T1894A, T1883A.
Identifiers: ClinVar variation 1931071 (VCV001931071.6), dbSNP rs2468874912, ClinGen allele CA349051733.

ClinVar aggregate classification (germline): Uncertain significance. Review status: criteria provided, multiple submitters, no conflicts (2 of 4 stars). 2 submissions from 2 submitters: Uncertain significance (2). Last evaluated 2025-07-08.

Conditions:
Generalized epilepsy with febrile seizures plus, type 7 (GEFSP7). Also called: GEFS+, TYPE 7. Identifiers: Orphanet 36387, MedGen C2751778, MONDO:0013470, OMIM 613863.
Neuropathy, hereditary sensory and autonomic, type 2A (HSAN2A). Also called: ACROOSTEOLYSIS, GIACCAI TYPE; ACROOSTEOLYSIS, NEUROGENIC; WNK1-Related HSAN2 (HSAN2A); MORVAN DISEASE; NEUROPATHY, CONGENITAL SENSORY; NEUROPATHY, HEREDITARY SENSORY RADICULAR, AUTOSOMAL RECESSIVE. Identifiers: Orphanet 970, MedGen C2752089, MONDO:0024309, OMIM 201300.

Submissions (2):

GeneDx
Classification: Uncertain significance. Last evaluated: 2025-07-08. Review status: criteria provided, single submitter. Criteria: GeneDx Variant Classification Process June 2021. Collection method: clinical testing. Allele origin: germline. Affected: yes.
Comment: Not observed at significant frequency in large population cohorts (gnomAD); In silico analysis suggests that this missense variant does not alter protein structure/function; Has not been previously published as pathogenic or benign to our knowledge

Labcorp Genetics (formerly Invitae), Labcorp
Classification: Uncertain significance for Neuropathy, hereditary sensory and autonomic, type 2A; Generalized epilepsy with febrile seizures plus, type 7. Last evaluated: 2022-02-21. Review status: criteria provided, single submitter. Criteria: Invitae Variant Classification Sherloc (09022015). Collection method: clinical testing. Allele origin: germline.
Comment: In summary, the available evidence is currently insufficient to determine the role of this variant in disease. Therefore, it has been classified as a Variant of Uncertain Significance. Algorithms developed to predict the effect of missense changes on protein structure and function output the following: SIFT: "Tolerated"; PolyPhen-2: "Benign"; Align-GVGD: "Class C0". The alanine amino acid residue is found in multiple mammalian species, which suggests that this missense change does not adversely affect protein function. This variant has not been reported in the literature in individuals affected with SCN9A-related conditions. This variant is not present in population databases (gnomAD no frequency). This sequence change replaces threonine, which is neutral and polar, with alanine, which is neutral and non-polar, at codon 1883 of the SCN9A protein (p.Thr1883Ala).